The following is an entry in ClinVar:

NM_002900.3(RBP3):c.341T>A (p.Leu114His)

Gene: RBP3 (retinol binding protein 3; plus strand). Cytogenetic location: 10q11.22.
Variant type: single nucleotide variant.
Coding change: c.341T>A on transcript NM_002900.3 (MANE Select); coding-DNA position 341, T replaced by A.
Protein change: p.Leu114His; replaces leucine 114 with histidine.
Molecular consequence: missense variant.
Genome position (GRCh38, 1-based): chr10:47,348,825, T>A. VCF-style: chr10-47348825-T-A. GRCh37 (hg19) VCF-style: chr10-48390537-A-T.
Other names: short protein forms L114H.
Identifiers: ClinVar variation 1496535 (VCV001496535.6), dbSNP rs782471071, ClinGen allele CA376664872.

ClinVar aggregate classification (germline): Uncertain significance (1 of 4 stars; one submission).

Submission:

Labcorp Genetics (formerly Invitae), Labcorp
Classification: Uncertain significance. Last evaluated: 2021-10-13. Review status: criteria provided, single submitter. Criteria: Invitae Variant Classification Sherloc (09022015). Collection method: clinical testing. Allele origin: germline.
Comment: Algorithms developed to predict the effect of missense changes on protein structure and function are either unavailable or do not agree on the potential impact of this missense change (SIFT: "Deleterious"; PolyPhen-2: "Probably Damaging"; Align-GVGD: "Class C0"). This sequence change replaces leucine with histidine at codon 114 of the RBP3 protein (p.Leu114His). The leucine residue is moderately conserved and there is a moderate physicochemical difference between leucine and histidine. This variant is not present in population databases (ExAC no frequency). This variant has not been reported in the literature in individuals affected with RBP3-related conditions. In summary, the available evidence is currently insufficient to determine the role of this variant in disease. Therefore, it has been classified as a Variant of Uncertain Significance.